The following is an entry in ClinVar:

NM_001037333.3(CYFIP2):c.752A>G (p.Asn251Ser)

Gene: CYFIP2 (cytoplasmic FMR1 interacting protein 2; plus strand). Cytogenetic location: 5q33.3.
Variant type: single nucleotide variant.
Coding change: c.752A>G on transcript NM_001037333.3 (MANE Select); coding-DNA position 752, A replaced by G.
Protein change: p.Asn251Ser; replaces asparagine 251 with serine.
Molecular consequence: missense variant.
Genome position (GRCh38, 1-based): chr5:157,304,323, A>G. VCF-style: chr5-157304323-A-G. GRCh37 (hg19) VCF-style: chr5-156731331-A-G.
Other names: c.674A>G, p.Asn225Ser (NM_001291721.2); c.752A>G, p.Asn251Ser (NM_001291722.2, NM_014376.4); short protein forms N225S, N251S.
Identifiers: ClinVar variation 2800772 (VCV002800772.3), dbSNP rs1363710900, ClinGen allele CA361967297.

ClinVar aggregate classification (germline): Uncertain significance (1 of 4 stars; one submission).

Allele frequency attached by ClinVar (database versions not stated): gnomAD 0.00001.
gnomAD v4.1: 1 of 1,613,914 alleles (0.000062%); highest among the groups gnomAD compares: African/African-American, 0.0013%; no homozygotes.

Submission:

Labcorp Genetics (formerly Invitae), Labcorp
Classification: Uncertain significance. Last evaluated: 2023-05-27. Review status: criteria provided, single submitter. Criteria: Invitae Variant Classification Sherloc (09022015). Collection method: clinical testing. Allele origin: germline.
Comment: In summary, the available evidence is currently insufficient to determine the role of this variant in disease. Therefore, it has been classified as a Variant of Uncertain Significance. Experimental studies and prediction algorithms are not available or were not evaluated, and the functional significance of this variant is currently unknown. This variant has not been reported in the literature in individuals affected with CYFIP2-related conditions. This variant is present in population databases (no rsID available, gnomAD 0.01%). This sequence change replaces asparagine, which is neutral and polar, with serine, which is neutral and polar, at codon 251 of the CYFIP2 protein (p.Asn251Ser).